The following is an entry in ClinVar:

ClinVar aggregate classification (germline): Uncertain significance (1 of 4 stars; one submission).

gnomAD v4.1: 328 of 1,614,028 alleles (0.02%); highest among the groups gnomAD compares: Admixed American, 0.042%; no homozygotes.

Submission:

Dasa
Classification: Uncertain significance. Last evaluated: 2026-05-25. Review status: criteria provided, single submitter. Criteria: DASA Assertion Criteria. Collection method: clinical testing. Allele origin: germline.
Comment: NM_173602.3(DIP2B):c.623T>C (p.Phe208Ser) is a missense variant that results in the substitution of phenylalanine with serine. This variant is rare in population databases. The currently available literature and clinical evidence are not sufficient to establish a definitive association between this variant and the reported condition. Therefore, this variant is classified as a variant of uncertain significance.

NM_173602.3(DIP2B):c.623T>C (p.Phe208Ser)

Gene: DIP2B (DIP2 acetate--CoA ligase B (putative); plus strand). Cytogenetic location: 12q13.12.
Variant type: single nucleotide variant.
Coding change: c.623T>C on transcript NM_173602.3 (MANE Select); coding-DNA position 623, T replaced by C.
Protein change: p.Phe208Ser; replaces phenylalanine 208 with serine.
Molecular consequence: missense variant.
Genome position (GRCh38, 1-based): chr12:50,671,381, T>C. VCF-style: chr12-50671381-T-C. GRCh37 (hg19) VCF-style: chr12-51065164-T-C.
Other names: short protein forms F208S.
Identifiers: ClinVar variation 5020487 (VCV005020487.1).
Genomic context (GRCh38, chr12:50,671,381, plus strand): 5'-CATCTTCTACGCTGTCCCACGGAGAGGTCAAAGGAACCAGTGGGTCTCTAGCTGATGTAT[T>C]TGCCAATACTCGAATAGGTAGGAGCTGGATCTACCCAAGAAGCCCAAATTACATTCCATT-3'
Protein context (NP_775873.2, residues 198-218): KGTSGSLADV[Phe208Ser]ANTRIENFSA